The following is an entry in ClinVar:

ClinVar aggregate classification (germline): Likely benign. Review status: criteria provided, multiple submitters, no conflicts (2 of 4 stars). 4 submissions from 4 submitters: Likely benign (3). 1 of the submissions does not count toward it. Last evaluated 2026-07-01.

Conditions:
Long QT syndrome 15 (LQT15). Identifiers: Orphanet 101016, Orphanet 768, MedGen C4015695, MONDO:0014550, OMIM 616249.
CALM2-related disorder. Also called: CALM2-related condition.

Allele frequency attached by ClinVar (database versions not stated): TOPMed 0.00157; ExAC 0.00058; ESP Exome Variant Server 0.00066; gnomAD 0.00139; 1000 Genomes Project 0.00140; 1000 Genomes Project 30x 0.00156.
gnomAD v4.1: 429 of 1,579,296 alleles (0.027%); highest among the groups gnomAD compares: African/African-American, 0.51%; 2 homozygotes.

Submissions (4):

CeGaT Center for Human Genetics Tuebingen
Classification: Likely benign. Last evaluated: 2026-07-01. Review status: criteria provided, single submitter. Criteria: CeGaT Center For Human Genetics Tuebingen Variant Classification Criteria Version 2. Collection method: clinical testing. Allele origin: germline. Affected: yes. Observed: 1 variant allele.
Comment: CALM2: BS1

ARUP Laboratories, Molecular Genetics and Genomics, ARUP Laboratories
Classification: Likely benign for Long QT syndrome 15. Last evaluated: 2025-06-25. Review status: criteria provided, single submitter. Criteria: ARUP Molecular Germline Variant Investigation Process 2024. Collection method: clinical testing. Allele origin: germline.

Blueprint Genetics
Classification: Likely benign. Last evaluated: 2024-06-17. Review status: criteria provided, single submitter. Criteria: ACMG Guidelines, 2015. Collection method: clinical testing. Allele origin: germline.

PreventionGenetics, part of Exact Sciences
Classification: Benign for CALM2-related condition. Last evaluated: 2019-06-26. Review status: no assertion criteria provided. Collection method: clinical testing. Allele origin: germline. Not counted in ClinVar's aggregate classification.
Comment: This variant is classified as benign based on ACMG/AMP sequence variant interpretation guidelines (Richards et al. 2015 PMID: 25741868, with internal and published modifications).

NC_000002.12:g.47176535G>T

Gene: CALM2 (calmodulin 2; minus strand). Cytogenetic location: 2p21.
Variant type: single nucleotide variant.
Molecular consequence: missense variant (on NM_001305624.1). On other transcripts: intron variant (1).
Genome position: GRCh38 VCF-style: chr2-47176535-G-T. GRCh37 (hg19) VCF-style: chr2-47403674-G-T.
Other names: c.7C>A, p.Arg3Ser (NM_001305624.1); c.-106+314C>A (NM_001305625.2); short protein forms R3S.
Identifiers: ClinVar variation 3043763 (VCV003043763.5), dbSNP rs377288714, ClinGen allele CA1648730.